The following is an entry in ClinVar:

NC_000008.10:g.(?_22262224)_(22277211_?)dup

Gene: SLC39A14 (solute carrier family 39 member 14; plus strand). Cytogenetic location: 8p21.3.
Variant type: Duplication.
Identifiers: ClinVar variation 1399620 (VCV001399620.1).

ClinVar aggregate classification (germline): Uncertain significance (1 of 4 stars; one submission).

Submission:

Labcorp Genetics (formerly Invitae), Labcorp
Classification: Uncertain significance. Last evaluated: 2021-12-18. Review status: criteria provided, single submitter. Criteria: Invitae Variant Classification Sherloc (09022015). Collection method: clinical testing. Allele origin: germline.
Comment: A copy number gain of the genomic region encompassing the full coding sequence of the SLC39A14 gene has been identified. The boundaries of this event are unknown as they extend beyond the assayed region for this gene and therefore may encompass additional genes. As the precise location of this event is unknown, it may be in tandem or it may be located elsewhere in the genome. This variant has not been reported in the literature in individuals affected with SLC39A14-related conditions. In summary, the available evidence is currently insufficient to determine the role of this variant in disease. Therefore, it has been classified as a Variant of Uncertain Significance.